The following is an entry in ClinVar:

NM_021971.4(GMPPB):c.554G>A (p.Arg185His)

Gene: GMPPB (GDP-mannose pyrophosphorylase B; minus strand). Cytogenetic location: 3p21.31.
Variant type: single nucleotide variant.
Coding change: c.554G>A on transcript NM_021971.4 (MANE Select); coding-DNA position 554, G replaced by A.
Protein change: p.Arg185His; replaces arginine 185 with histidine.
Molecular consequence: missense variant.
Genome position (GRCh38, 1-based): chr3:49,722,603, C>T on the plus strand (G>A on the coding strand, the complement: GMPPB is on the minus strand). VCF-style: chr3-49722603-C-T. GRCh37 (hg19) VCF-style: chr3-49760036-C-T.
Other names: c.554G>A (NM_013334.3); c.554G>A, p.Arg185His (NM_013334.4); short protein forms R185H.
Identifiers: ClinVar variation 595073 (VCV000595073.19), dbSNP rs755165049, ClinGen allele CA2405525.

ClinVar aggregate classification (germline): Uncertain significance. Review status: criteria provided, multiple submitters, no conflicts (2 of 4 stars). 4 submissions from 4 submitters: Uncertain significance (4). Last evaluated 2025-09-01.

Conditions:
Muscular dystrophy-dystroglycanopathy (congenital with brain and eye anomalies), type A14. Also called: Congenital Muscular Dystrophy-Dystroglycanopathy with Brain and Eye Anomalies Type A 14; Congenital muscular dystrophy-dystroglycanopathy with brain and eye anomalies, type A14; Muscular dystrophy-dystroglycanopathy (congenital with brain and eye anomalies), type a, 14; WALKER-WARBURG SYNDROME OR MUSCLE-EYE-BRAIN DISEASE, GMPPB-RELATED. Identifiers: Orphanet 588, MedGen C3809216, MONDO:0014140, OMIM 615350.
Muscular dystrophy-dystroglycanopathy (congenital with impaired intellectual development), type B, 14. Also called: Congenital muscular dystrophy-dystroglycanopathy with mental retardation, type B14; MUSCULAR DYSTROPHY, CONGENITAL, GMPPB-RELATED; Muscular dystrophy-dystroglycanopathy (congenital with intellectual disability), type B14. Identifiers: MedGen C3809221, MONDO:0014141, OMIM 615351.
Autosomal recessive limb-girdle muscular dystrophy type 2T. Also called: Limb-girdle muscular dystrophy-dystroglycanopathy, type C14; MUSCULAR DYSTROPHY-DYSTROGLYCANOPATHY, LIMB-GIRDLE, GMPPB-RELATED; MUSCULAR DYSTROPHY, LIMB-GIRDLE, TYPE 2T; Muscular dystrophy-dystroglycanopathy (limb-girdle), type c, 14. Identifiers: Orphanet 363623, MedGen C4518000, MONDO:0014142, OMIM 615352.

Allele frequency attached by ClinVar (database versions not stated): ExAC 0.00003; gnomAD exomes 0.00004; gnomAD 0.00006 and 0.00005; TOPMed 0.00003.
gnomAD v4.1: 50 of 1,613,598 alleles (0.0031%); highest among the groups gnomAD compares: South Asian, 0.0077%; no homozygotes.

Submissions (4):

CeGaT Center for Human Genetics Tuebingen
Classification: Uncertain significance. Last evaluated: 2025-09-01. Review status: criteria provided, single submitter. Criteria: CeGaT Center For Human Genetics Tuebingen Variant Classification Criteria Version 2. Collection method: clinical testing. Allele origin: germline. Affected: yes. Observed: 1 variant allele.
Comment: GMPPB: PM2, PM5, BP4

Labcorp Genetics (formerly Invitae), Labcorp
Classification: Uncertain significance for Autosomal recessive limb-girdle muscular dystrophy type 2T; Muscular dystrophy-dystroglycanopathy (congenital with brain and eye anomalies), type A14; Muscular dystrophy-dystroglycanopathy (congenital with impaired intellectual development), type B, 14. Last evaluated: 2022-05-27. Review status: criteria provided, single submitter. Criteria: Invitae Variant Classification Sherloc (09022015). Collection method: clinical testing. Allele origin: germline.
Comment: This sequence change replaces arginine, which is basic and polar, with histidine, which is basic and polar, at codon 185 of the GMPPB protein (p.Arg185His). This variant is present in population databases (rs755165049, gnomAD 0.01%). This variant has not been reported in the literature in individuals affected with GMPPB-related conditions. ClinVar contains an entry for this variant (Variation ID: 595073). Algorithms developed to predict the effect of missense changes on protein structure and function are either unavailable or do not agree on the potential impact of this missense change (SIFT: "Tolerated"; PolyPhen-2: "Probably Damaging"; Align-GVGD: "Class C0"). This variant disrupts the p.Arg185 amino acid residue in GMPPB. Other variant(s) that disrupt this residue have been determined to be pathogenic (PMID: 23768512, 30684953). This suggests that this residue is clinically significant, and that variants that disrupt this residue are likely to be disease-causing. In summary, the available evidence is currently insufficient to determine the role of this variant in disease. Therefore, it has been classified as a Variant of Uncertain Significance.

Revvity Omics, Revvity
Classification: Uncertain significance. Last evaluated: 2019-10-01. Review status: criteria provided, single submitter. Criteria: ACMG Guidelines, 2015. Collection method: clinical testing. Allele origin: germline.

Eurofins Ntd Llc (ga)
Classification: Uncertain significance. Last evaluated: 2017-11-16. Review status: criteria provided, single submitter. Criteria: EGL Classification Definitions 2015. Collection method: clinical testing. Allele origin: germline. Observed: 1 variant allele, 1 heterozygote.

Literature cited by the submitters: PubMed 23768512 (cited by Labcorp Genetics (formerly Invitae), Labcorp); PubMed 30684953 (cited by Labcorp Genetics (formerly Invitae), Labcorp).